The following is an entry in ClinVar:

ClinVar aggregate classification (germline): Uncertain significance. Review status: criteria provided, multiple submitters, no conflicts (2 of 4 stars). 10 submissions from 10 submitters: Uncertain significance (10). Last evaluated 2026-09-08.

Conditions:
Familial adenomatous polyposis 3. Also called: NTHL1-Related Adenomatous Polyposis and Colorectal Cancer; NTHL1-related attenuated familial adenomatous polyposis; NTHL1 Tumor Syndrome; NTHL1-associated polyposis. Identifiers: Orphanet 220460, Orphanet 454840, MedGen C4225157, MONDO:0014630, OMIM 616415.
NTHL1-related disorder. Also called: NTHL1-related condition; NTHL1-related conditions.
Hereditary cancer-predisposing syndrome. Also called: Neoplastic Syndromes, Hereditary; Hereditary Cancer Syndrome; Tumor predisposition; Hereditary neoplastic syndrome. Identifiers: Orphanet 140162, MedGen C0027672, MeSH D009386, MONDO:0015356.

Allele frequency attached by ClinVar (database versions not stated): gnomAD 0.00010; TOPMed 0.00010; gnomAD exomes 0.00018 and 0.00022; ExAC 0.00024.
gnomAD v4.1: 269 of 1,588,974 alleles (0.017%); highest among the groups gnomAD compares: Middle Eastern, 0.05%; no homozygotes.

Submissions (10):

GeneDx
Classification: Uncertain significance. Last evaluated: 2026-09-08. Review status: criteria provided, single submitter. Criteria: GeneDx Variant Classification Process June 2021. Collection method: clinical testing. Allele origin: germline.
Comment: In silico analysis suggests that this missense variant does not alter protein structure/function; This variant is associated with the following publications: (PMID: 29641532, 33980861)

PreventionGenetics, part of Exact Sciences
Classification: Uncertain significance for NTHL1-related condition. Last evaluated: 2026-09-01. Review status: criteria provided, single submitter. Criteria: ACMG Guidelines, 2015. Collection method: clinical testing. Allele origin: germline.
Comment: The NTHL1 c.68T>C variant is predicted to result in the amino acid substitution p.Leu23Pro. This variant has been reported in individuals with breast cancer and unaffected controls (Li et al. 2021. PubMed ID: 33980861). In another study of individuals with multiple primary cancers, including melanoma, this variant was only found in non-cancer controls (Pritchard et al. 2018. PubMed ID: 29641532). This variant is reported in 0.063% of alleles in individuals of Latino descent in gnomAD and is interpreted as uncertain in ClinVar (Variation ID: 664010). Although we suspect that this variant may be benign, at this time, the clinical significance of this variant is uncertain due to the absence of conclusive functional and genetic evidence.

Ambry Genetics
Classification: Uncertain significance for Hereditary cancer-predisposing syndrome. Last evaluated: 2025-11-20. Review status: criteria provided, single submitter. Criteria: Ambry Variant Classification Scheme 2023. Collection method: clinical testing. Allele origin: germline.

St. Jude Molecular Pathology, St. Jude Children's Research Hospital
Classification: Uncertain significance for Familial adenomatous polyposis 3. Last evaluated: 2025-06-17. Review status: criteria provided, single submitter. Criteria: St. Jude Assertion Criteria 2020. Collection method: clinical testing. Allele origin: germline.
Comment: The NTHL1 c.44T>C p.(Leu15Pro) missense change has a maximum subpopulation frequency of 0.06% in gnomAD v2.1.1. The in silico tool REVEL predicts a benign effect on protein function, but to our knowledge this prediction has not been confirmed by functional studies. To our knowledge, this variant has not been reported in individuals with NTHL1-associated polyposis. In summary, the evidence currently available is insufficient to determine the clinical significance of this variant. It has therefore been classified as of uncertain significance.

Labcorp Genetics (formerly Invitae), Labcorp
Classification: Uncertain significance. Last evaluated: 2025-01-29. Review status: criteria provided, single submitter. Criteria: Invitae Variant Classification Sherloc (09022015). Collection method: clinical testing. Allele origin: germline.
Comment: This sequence change replaces leucine with proline at codon 23 of the NTHL1 protein (p.Leu23Pro). The leucine residue is weakly conserved and there is a moderate physicochemical difference between leucine and proline. This variant is present in population databases (rs781328762, gnomAD 0.07%). This missense change has been observed in individual(s) with breast cancer (PMID: 33980861). ClinVar contains an entry for this variant (Variation ID: 664010). An algorithm developed to predict the effect of missense changes on protein structure and function (PolyPhen-2) suggests that this variant¬†is likely to be tolerated. In summary, the available evidence is currently insufficient to determine the role of this variant in disease. Therefore, it has been classified as a Variant of Uncertain Significance.

Quest Diagnostics Nichols Institute San Juan Capistrano
Classification: Uncertain significance. Last evaluated: 2024-07-01. Review status: criteria provided, single submitter. Criteria: Quest Diagnostics criteria. Collection method: clinical testing. Allele origin: unknown.
Comment: The NTHL1 c.68T>C (p.Leu23Pro) variant has been reported in individuals with breast cancer (PMID: 33980861 (2021)) as well as in reportedly healthy individuals (PMIDs: 26941532 (2018), 33980861 (2021)). The frequency of this variant in the general population, 0.00063 (21/33454 chromosomes (Genome Aggregation Database)), is uninformative in the assessment of its pathogenicity. Analysis of this variant using bioinformatics tools for the prediction of the effect of amino acid changes on protein structure and function yielded predictions that this variant is benign. Based on the available information, we are unable to determine the clinical significance of this variant.

Mayo Clinic Laboratories, Mayo Clinic
Classification: Uncertain significance. Last evaluated: 2024-05-09. Review status: criteria provided, single submitter. Criteria: ACMG Guidelines, 2015. Collection method: clinical testing. Allele origin: germline. Observed: 2 variant alleles.
Comment: BP4

Department of Pathology and Laboratory Medicine, Sinai Health System
Classification: Uncertain significance for Familial adenomatous polyposis 3. Last evaluated: 2024-01-16. Review status: criteria provided, single submitter. Criteria: ACMG Guidelines, 2015. Collection method: clinical testing. Allele origin: germline. Affected: yes.

Sema4
Classification: Uncertain significance for Hereditary cancer-predisposing syndrome. Last evaluated: 2022-02-01. Review status: criteria provided, single submitter. Criteria: Sema4 Curation Guidelines. Collection method: curation. Allele origin: germline.
Comment: The NTHL1 c.68T>C (p.L23P) variant has been reported in at least 2 individuals with breast cancer and in at least 2 control individuals (PMID: 33980861). It was observed in 21/33454 chromosomes of the Latino/Admixed American subpopulation, with no homozygotes, in the large and broad cohorts of the Genome Aggregation Database. The variant has been reported in ClinVar (Variation ID: 664010). In silico tools suggest the impact of the variant on protein function is inconclusive, though these predictions have not been confirmed by functional studies. The evidence is insufficient to meet ACMG/AMP criteria for classifying the variant as benign or pathogenic. Thus, the clinical significance of this variant is currently uncertain.

CeGaT Center for Human Genetics Tuebingen
Classification: Uncertain significance. Last evaluated: 2020-03-01. Review status: criteria provided, single submitter. Criteria: CeGaT Center For Human Genetics Tuebingen Variant Classification Criteria Version 2. Collection method: clinical testing. Allele origin: germline. Affected: yes. Observed: 1 variant allele.

Literature cited by the submitters: PubMed 33980861 (cited by 5 submitters); PubMed 35739269 (cited by Quest Diagnostics Nichols Institute San Juan Capistrano); PubMed 29641532 (cited by 3 submitters).

NM_002528.7(NTHL1):c.44T>C (p.Leu15Pro)

Gene: NTHL1 (nth like DNA glycosylase 1; minus strand). Cytogenetic location: 16p13.3.
Variant type: single nucleotide variant.
Coding change: c.44T>C on transcript NM_002528.7 (MANE Select); coding-DNA position 44, T replaced by C.
Protein change: p.Leu15Pro; replaces leucine 15 with proline.
Molecular consequence: missense variant. On other transcripts: 5 prime UTR variant (1).
Genome position (GRCh38, 1-based): chr16:2,047,780, A>G on the plus strand (T>C on the coding strand, the complement: NTHL1 is on the minus strand). VCF-style: chr16-2047780-A-G. GRCh37 (hg19) VCF-style: chr16-2097781-A-G.
Other names: p.Leu15Pro; c.44T>C, p.Leu15Pro (LRG_1366t1, NM_001318193.2); c.-135T>C (NM_001318194.2); short protein forms L15P.
Identifiers: ClinVar variation 664010 (VCV000664010.65), dbSNP rs781328762, ClinGen allele CA027827.